The following is an entry in ClinVar:

NM_007294.4(BRCA1):c.284T>C (p.Leu95Pro)

Gene: BRCA1 (BRCA1 DNA repair associated; minus strand). Cytogenetic location: 17q21.31.
Variant type: single nucleotide variant.
Coding change: c.284T>C on transcript NM_007294.4 (MANE Select); coding-DNA position 284, T replaced by C.
Protein change: p.Leu95Pro; replaces leucine 95 with proline.
Molecular consequence: missense variant. On other transcripts: non-coding transcript variant (1).
Genome position (GRCh38, 1-based): chr17:43,104,885, A>G on the plus strand (T>C on the coding strand, the complement: BRCA1 is on the minus strand). VCF-style: chr17-43104885-A-G. GRCh37 (hg19) VCF-style: chr17-41256902-A-G.
Other names: c.74T>C, p.Leu25Pro (NM_001407918.1, NM_001407946.1, NM_001407947.1 and 58 more transcripts); c.284T>C, p.Leu95Pro (NM_001407919.1, NM_001407937.1, NM_001407938.1 and 168 more transcripts); c.143T>C, p.Leu48Pro (NM_001407920.1, NM_001407921.1, NM_001407922.1 and 99 more transcripts); c.-98T>C (NM_001407959.1, NM_001407960.1, NM_001407962.1 and 4 more transcripts); c.206T>C, p.Leu69Pro (NM_001408409.1, NM_001408411.1, NM_001408412.1 and 21 more transcripts); c.152T>C, p.Leu51Pro (NM_001408451.1); short protein forms L95P, L48P, L25P, L51P, L69P.
Identifiers: ClinVar variation 868350 (VCV000868350.6), dbSNP rs2054675041, ClinGen allele CA10601584.

ClinVar aggregate classification (germline): Likely pathogenic (1 of 4 stars; one submission).

Conditions:
Hereditary cancer-predisposing syndrome. Also called: Neoplastic Syndromes, Hereditary; Tumor predisposition; Hereditary Cancer Syndrome; Hereditary neoplastic syndrome. Identifiers: Orphanet 140162, MedGen C0027672, MeSH D009386, MONDO:0015356.

Submissions (2):

Ambry Genetics
Classification: Likely pathogenic for Hereditary cancer-predisposing syndrome. Last evaluated: 2025-03-18. Review status: criteria provided, single submitter. Criteria: Ambry Variant Classification Scheme 2023. Collection method: clinical testing. Allele origin: germline.
Comment: The p.L95P variant (also known as c.284T>C), located in coding exon 4 of the BRCA1 gene, results from a T to C substitution at nucleotide position 284. The leucine at codon 95 is replaced by proline, an amino acid with similar properties. One functional study found that this nucleotide substitution is non-functional in a high-throughput, genome editing, haploid cell survival assay (Findlay GM et al. Nature, 2018 10;562:217-222). This amino acid position is highly conserved in available vertebrate species. In addition, this alteration is predicted to be deleterious by in silico analysis. This variant is considered to be rare based on population cohorts in the Genome Aggregation Database (gnomAD). Based on the majority of available evidence to date, this variant is likely to be pathogenic.

Brotman Baty Institute, University of Washington
No classification provided (evidence only). Condition: Breast-ovarian cancer, familial 1. Review status: no classification provided. Collection method: in vitro. Allele origin: not applicable. Functional consequence: functionally_abnormal. Not counted in ClinVar's aggregate classification.
ClinVar note: "not provided" was previously submitted as the classification for the variant. However, the classification appeared to be based only on an observation of functional data so it was converted to no classification on 2025-07-30.

Literature cited by the submitters: PubMed 30209399 (cited by Ambry Genetics).